The following is an entry in ClinVar:

ClinVar aggregate classification (germline): Likely pathogenic (1 of 4 stars; one submission).

Conditions:
King Denborough syndrome (KDS). Identifiers: MedGen C1840365, MONDO:0020485, OMIM 619542.

Submission:

Clinical Biomedical Laboratory, Shriners Hospital For Children - Canada
Classification: Likely pathogenic for King Denborough syndrome. Review status: criteria provided, single submitter. Criteria: ACMG Guidelines, 2015. Collection method: clinical testing. Allele origin: germline. Affected: yes.
Comment: This variant is predicted to substitute a glycine residue by a serine residue in RYR1. This variant is absent in the Genome Aggregation Database (gnomAD v2.1.1), indicating it is very rare. Computational tools (REVEL: 0.95) suggest that the amino acid change is deleterious to protein function. The gene is associated with King-Denborough syndrome which has considerable overlap with the phenotype of the proband. Based on the ACMG variant interpretation guidelines (criteria: PM2, PM5, PP2, PP3), the available evidence supports classification of this variant as likely pathogenic.

NM_000540.3(RYR1):c.14671G>A (p.Gly4891Ser)

Gene: RYR1 (ryanodine receptor 1; plus strand). Cytogenetic location: 19q13.2.
Variant type: single nucleotide variant.
Coding change: c.14671G>A on transcript NM_000540.3 (MANE Select); coding-DNA position 14671, G replaced by A.
Protein change: p.Gly4891Ser; replaces glycine 4891 with serine.
Molecular consequence: missense variant.
Genome position (GRCh38, 1-based): chr19:38,584,967, G>A. VCF-style: chr19-38584967-G-A. GRCh37 (hg19) VCF-style: chr19-39075607-G-A.
Other names: c.14656G>A, p.Gly4886Ser (NM_001042723.2); short protein forms G4886S, G4891S.
Identifiers: ClinVar variation 4819359 (VCV004819359.1).